The following is an entry in ClinVar:

ClinVar aggregate classification (germline): Uncertain significance (1 of 4 stars; one submission).

Conditions:
Inborn genetic diseases. Identifiers: MedGen C0950123, MeSH D030342.

Submission:

Ambry Genetics
Classification: Uncertain significance for Inborn genetic diseases. Last evaluated: 2025-04-03. Review status: criteria provided, single submitter. Criteria: Ambry Variant Classification Scheme 2023. Collection method: clinical testing. Allele origin: germline.
Comment: The p.P263Q variant (also known as c.788C>A), located in coding exon 8 of the FANCA gene, results from a C to A substitution at nucleotide position 788. The proline at codon 263 is replaced by glutamine, an amino acid with similar properties. This amino acid position is conserved. In addition, this alteration is predicted to be tolerated by in silico analysis. Based on the available evidence, the clinical significance of this variant remains unclear.

NM_000135.4(FANCA):c.788C>A (p.Pro263Gln)

Gene: FANCA (FA complementation group A; minus strand). Cytogenetic location: 16q24.3.
Variant type: single nucleotide variant.
Coding change: c.788C>A on transcript NM_000135.4 (MANE Select); coding-DNA position 788, C replaced by A.
Protein change: p.Pro263Gln; replaces proline 263 with glutamine.
Molecular consequence: missense variant.
Genome position (GRCh38, 1-based): chr16:89,803,263, G>T on the plus strand (C>A on the coding strand, the complement: FANCA is on the minus strand). VCF-style: chr16-89803263-G-T. GRCh37 (hg19) VCF-style: chr16-89869671-G-T.
Other names: c.788C>A, p.Pro263Gln (NM_001018112.3, NM_001286167.3); c.692C>A, p.Pro231Gln (NM_001351830.2); short protein forms P263Q, P231Q.
Identifiers: ClinVar variation 4022144 (VCV004022144.1).